The following is an entry in ClinVar:

ClinVar aggregate classification (germline): Uncertain significance. Review status: criteria provided, multiple submitters, no conflicts (2 of 4 stars). 5 submissions from 5 submitters: Uncertain significance (5). Last evaluated 2025-11-10.

Conditions:
Cardiovascular phenotype. Identifiers: MedGen CN230736.
Arrhythmogenic right ventricular cardiomyopathy (ARVD). Also called: Arrhythmogenic right ventricular dysplasia; Cardiomyopathy, ARVC; Arrhythmogenic cardiomyopathy; Arrhythmogenic Right Ventricular Cardiomyopathy (ARVC). Identifiers: Orphanet 247, MedGen C0349788, MeSH D019571, MONDO:0016587. Disease mechanism: loss of function. Inheritance: Various modes of inheritance.
Arrhythmogenic right ventricular dysplasia 10. Also called: ARRHYTHMOGENIC RIGHT VENTRICULAR DYSPLASIA, FAMILIAL, 10; Arrhythmogenic right ventricular dysplasia/cardiomyopathy, type 10; Arrhythmogenic Right Ventricular Dysplasia/Cardiomyopathy10. Identifiers: MedGen C1857777, MONDO:0012434, OMIM 610193.
Dilated cardiomyopathy 1BB (CMD1BB). Also called: CARDIOMYOPATHY, DILATED, 1BB, SUSCEPTIBILITY TO. Identifiers: Orphanet 154, MedGen C2752072, MONDO:0013030, OMIM 612877.

Allele frequency attached by ClinVar (database versions not stated): ExAC 0.00002; gnomAD 0.00006; TOPMed 0.00006; gnomAD exomes below 0.00001 and 0.00001; ESP Exome Variant Server 0.00008.
gnomAD v4.1: 16 of 1,613,994 alleles (0.00099%); highest among the groups gnomAD compares: African/African-American, 0.02%; no homozygotes.

Submissions (5):

GeneDx
Classification: Uncertain significance. Last evaluated: 2025-11-10. Review status: criteria provided, single submitter. Criteria: GeneDx Variant Classification Process June 2021. Collection method: clinical testing. Allele origin: germline.
Comment: Has not been previously published as pathogenic or benign to our knowledge; Not observed at significant frequency in large population cohorts (gnomAD); In silico analysis supports that this missense variant has a deleterious effect on protein structure/function

Labcorp Genetics (formerly Invitae), Labcorp
Classification: Uncertain significance for Arrhythmogenic right ventricular dysplasia 10. Last evaluated: 2025-08-20. Review status: criteria provided, single submitter. Criteria: Invitae Variant Classification Sherloc (09022015). Collection method: clinical testing. Allele origin: germline.
Comment: This sequence change replaces threonine, which is neutral and polar, with isoleucine, which is neutral and non-polar, at codon 650 of the DSG2 protein (p.Thr650Ile). This variant is present in population databases (rs373512167, gnomAD 0.01%). This variant has not been reported in the literature in individuals affected with DSG2-related conditions. ClinVar contains an entry for this variant (Variation ID: 950392). Invitae Evidence Modeling of protein sequence and biophysical properties (such as structural, functional, and spatial information, amino acid conservation, physicochemical variation, residue mobility, and thermodynamic stability) has been performed for this missense variant. However, the output from this modeling did not meet the statistical confidence thresholds required to predict the impact of this variant on DSG2 protein function. In summary, the available evidence is currently insufficient to determine the role of this variant in disease. Therefore, it has been classified as a Variant of Uncertain Significance.

Ambry Genetics
Classification: Uncertain significance for Cardiovascular phenotype. Last evaluated: 2024-11-03. Review status: criteria provided, single submitter. Criteria: Ambry Variant Classification Scheme 2023. Collection method: clinical testing. Allele origin: germline.
Comment: The p.T650I variant (also known as c.1949C>T), located in coding exon 13 of the DSG2 gene, results from a C to T substitution at nucleotide position 1949. The threonine at codon 650 is replaced by isoleucine, an amino acid with similar properties. This amino acid position is well conserved in available vertebrate species. In addition, this alteration is predicted to be tolerated by in silico analysis. Since supporting evidence is limited at this time, the clinical significance of this alteration remains unclear.

All of Us Research Program, National Institutes of Health
Classification: Uncertain significance for Arrhythmogenic right ventricular cardiomyopathy. Last evaluated: 2024-07-20. Review status: criteria provided, single submitter. Criteria: ACMG Guidelines, 2015. Collection method: clinical testing. Allele origin: germline. Inheritance: Autosomal dominant inheritance. Observed: 6 variant alleles, 6 heterozygotes.
Comment: This missense variant replaces threonine with isoleucine at codon 650 of the DSG2 protein. Computational prediction suggests that this variant may not impact protein structure and function (internally defined REVEL score threshold <= 0.5, PMID: 27666373). To our knowledge, functional studies have not been reported for this variant. This variant has not been reported in individuals affected with DSG2-related disorders in the literature. This variant has been identified in 2/249264 chromosomes in the general population by the Genome Aggregation Database (gnomAD). The available evidence is insufficient to determine the role of this variant in disease conclusively. Therefore, this variant is classified as a Variant of Uncertain Significance.

This study involves interpretation of variants in research participants for the purpose of population health screening. Participant phenotype was not available at the time of variant classification. Additional details can be found in publication PMID: 35346344, PMCID: PMC8962531

Fulgent Genetics
Classification: Uncertain significance for Arrhythmogenic right ventricular dysplasia 10; Dilated cardiomyopathy 1BB. Last evaluated: 2021-08-03. Review status: criteria provided, single submitter. Criteria: ACMG Guidelines, 2015. Collection method: clinical testing. Allele origin: unknown.

NM_001943.5(DSG2):c.1949C>T (p.Thr650Ile)

Gene: DSG2 (desmoglein 2; plus strand). Cytogenetic location: 18q12.1.
Variant type: single nucleotide variant.
Coding change: c.1949C>T on transcript NM_001943.5 (MANE Select); coding-DNA position 1949, C replaced by T.
Protein change: p.Thr650Ile; replaces threonine 650 with isoleucine.
Molecular consequence: missense variant.
Genome position (GRCh38, 1-based): chr18:31,541,262, C>T. VCF-style: chr18-31541262-C-T. GRCh37 (hg19) VCF-style: chr18-29121225-C-T.
Other names: short protein forms T650I.
Identifiers: ClinVar variation 950392 (VCV000950392.15), dbSNP rs373512167, ClinGen allele CA044367.
Genomic context (GRCh38, chr18:31,541,262, plus strand): 5'-TTTTACTGCTGATGTGCCATTGCGGAAAGGGCGCCAAAGGCTTTACCCCCATACCTGGCA[C>T]CATAGAGATGCTGCATCCTTGGAATAATGAAGGAGCACCACCTGAAGACAAGGTCAGTGG-3'
Protein context (NP_001934.2, residues 640-660): GAKGFTPIPG[Thr650Ile]IEMLHPWNNE